The following is an entry in ClinVar:

NM_003119.4(SPG7):c.1064A>G (p.Lys355Arg)

Gene: SPG7 (SPG7 matrix AAA peptidase subunit, paraplegin; plus strand). Cytogenetic location: 16q24.3.
Variant type: single nucleotide variant.
Coding change: c.1064A>G on transcript NM_003119.4 (MANE Select); coding-DNA position 1064, A replaced by G.
Protein change: p.Lys355Arg; replaces lysine 355 with arginine.
Molecular consequence: missense variant.
Genome position (GRCh38, 1-based): chr16:89,531,980, A>G. VCF-style: chr16-89531980-A-G. GRCh37 (hg19) VCF-style: chr16-89598388-A-G.
Other names: c.1064A>G, p.Lys355Arg (NM_001363850.1, NM_199367.3); short protein forms K355R.
Identifiers: ClinVar variation 2785830 (VCV002785830.3), dbSNP rs2543761716, ClinGen allele CA397420274.

ClinVar aggregate classification (germline): Uncertain significance (1 of 4 stars; one submission).

Conditions:
Hereditary spastic paraplegia 7 (SPG7). Also called: SPG7-related neurologic disorder; Spastic paraplegia 7; Hereditary spastic paraplegia Paraplegin type; Autosomal recessive spastic paraplegia type 7; SPASTIC PARAPLEGIA 7, AUTOSOMAL RECESSIVE, WITH OR WITHOUT CEREBELLAR ATAXIA. Identifiers: Orphanet 99013, MedGen C1846564, MONDO:0011803, OMIM 607259.

Allele frequency attached by ClinVar (database versions not stated): gnomAD exomes below 0.00001.
gnomAD v4.1: 2 of 1,613,944 alleles (0.00012%); highest among the groups gnomAD compares: South Asian, 0.0011%; no homozygotes.

Submission:

Labcorp Genetics (formerly Invitae), Labcorp
Classification: Uncertain significance for Hereditary spastic paraplegia 7. Last evaluated: 2023-04-20. Review status: criteria provided, single submitter. Criteria: Invitae Variant Classification Sherloc (09022015). Collection method: clinical testing. Allele origin: germline.
Comment: This sequence change replaces lysine, which is basic and polar, with arginine, which is basic and polar, at codon 355 of the SPG7 protein (p.Lys355Arg). This variant is not present in population databases (gnomAD no frequency). This variant has not been reported in the literature in individuals affected with SPG7-related conditions. Advanced modeling of protein sequence and biophysical properties (such as structural, functional, and spatial information, amino acid conservation, physicochemical variation, residue mobility, and thermodynamic stability) performed at Invitae indicates that this missense variant is expected to disrupt SPG7 protein function. In summary, the available evidence is currently insufficient to determine the role of this variant in disease. Therefore, it has been classified as a Variant of Uncertain Significance.